The following is an entry in ClinVar:

ClinVar aggregate classification (germline): Uncertain significance (1 of 4 stars; one submission).

Allele frequency attached by ClinVar (database versions not stated): gnomAD exomes 0.00001; ExAC 0.00003.
gnomAD v4.1: 14 of 1,612,992 alleles (0.00087%); highest among the groups gnomAD compares: Non-Finnish European, 0.0012%; no homozygotes.

Submission:

Labcorp Genetics (formerly Invitae), Labcorp
Classification: Uncertain significance. Last evaluated: 2022-03-16. Review status: criteria provided, single submitter. Criteria: Invitae Variant Classification Sherloc (09022015). Collection method: clinical testing. Allele origin: germline.
Comment: This variant has not been reported in the literature in individuals affected with LRP5-related conditions. This sequence change replaces proline, which is neutral and non-polar, with leucine, which is neutral and non-polar, at codon 784 of the LRP5 protein (p.Pro784Leu). This variant is present in population databases (rs749919151, gnomAD 0.004%). Advanced modeling of protein sequence and biophysical properties (such as structural, functional, and spatial information, amino acid conservation, physicochemical variation, residue mobility, and thermodynamic stability) performed at Invitae indicates that this missense variant is expected to disrupt LRP5 protein function. In summary, the available evidence is currently insufficient to determine the role of this variant in disease. Therefore, it has been classified as a Variant of Uncertain Significance.

NM_002335.4(LRP5):c.2351C>T (p.Pro784Leu)

Gene: LRP5 (LDL receptor related protein 5; plus strand). Cytogenetic location: 11q13.2.
Variant type: single nucleotide variant.
Coding change: c.2351C>T on transcript NM_002335.4 (MANE Select); coding-DNA position 2351, C replaced by T.
Protein change: p.Pro784Leu; replaces proline 784 with leucine.
Molecular consequence: missense variant.
Genome position (GRCh38, 1-based): chr11:68,411,468, C>T. VCF-style: chr11-68411468-C-T. GRCh37 (hg19) VCF-style: chr11-68178936-C-T.
Other names: c.608C>T, p.Pro203Leu (NM_001291902.2); short protein forms P784L, P203L.
Identifiers: ClinVar variation 1973229 (VCV001973229.5), dbSNP rs749919151, ClinGen allele CA6149610.